The following is an entry in ClinVar:

ClinVar aggregate classification (germline): Uncertain significance (1 of 4 stars; one submission).

Conditions:
Short-rib thoracic dysplasia 14 with polydactyly (SRTD14). Identifiers: Orphanet 397715, MedGen C4225286, MONDO:0014688, OMIM 616546.
Joubert syndrome 23 (JBTS23). Identifiers: Orphanet 475, MedGen C4084822, MONDO:0014664, OMIM 616490.

Submission:

Labcorp Genetics (formerly Invitae), Labcorp
Classification: Uncertain significance for Joubert syndrome 23; Short-rib thoracic dysplasia 14 with polydactyly. Last evaluated: 2020-09-05. Review status: criteria provided, single submitter. Criteria: Invitae Variant Classification Sherloc (09022015). Collection method: clinical testing. Allele origin: germline.
Comment: This sequence change falls in intron 30 of the KIAA0586 gene. It does not directly change the encoded amino acid sequence of the KIAA0586 protein, but it affects a nucleotide within the consensus splice site of the intron. This variant is not present in population databases (ExAC no frequency). This variant has not been reported in the literature in individuals with KIAA0586-related conditions. Nucleotide substitutions within the consensus splice site are a relatively common cause of aberrant splicing (PMID: 17576681, 9536098). Algorithms developed to predict the effect of sequence changes on RNA splicing suggest that this variant is not likely to affect RNA splicing, but this prediction has not been confirmed by published transcriptional studies. In summary, the available evidence is currently insufficient to determine the role of this variant in disease. Therefore, it has been classified as a Variant of Uncertain Significance.

Literature cited by the submitters: PubMed 17576681; PubMed 9536098.

NM_001329943.3(KIAA0586):c.4323+4C>T

Gene: KIAA0586 (KIAA0586; plus strand). Cytogenetic location: 14q23.1.
Variant type: single nucleotide variant.
Coding change: c.4323+4C>T on transcript NM_001329943.3 (MANE Select); 4 bases into the intron after coding-DNA position 4323, C replaced by T.
Molecular consequence: intron variant.
Genome position (GRCh38, 1-based): chr14:58,508,713, C>T. VCF-style: chr14-58508713-C-T. GRCh37 (hg19) VCF-style: chr14-58975431-C-T.
Other names: c.4482+4C>T (NM_001244189.2); c.4278+4C>T (NM_001244190.2); c.4191+4C>T (NM_001244192.2, NM_001329947.2); c.4068+4C>T (NM_001244191.2, NM_001364701.2, NM_001329945.2 and 1 more transcripts); c.4323+4C>T (NM_001329944.2, NM_001329946.2); c.4095+4C>T (NM_014749.5); c.3903+4C>T (NM_001244193.2).
Identifiers: ClinVar variation 1006249 (VCV001006249.6), dbSNP rs2044176022, ClinGen allele CA2139924570.